The following is an entry in ClinVar:

NM_201384.3(PLEC):c.1312G>A (p.Val438Met)

Gene: PLEC (plectin; minus strand). Cytogenetic location: 8q24.3.
Variant type: single nucleotide variant.
Coding change: c.1312G>A on transcript NM_201384.3 (MANE Select); coding-DNA position 1312, G replaced by A.
Protein change: p.Val438Met; replaces valine 438 with methionine.
Molecular consequence: missense variant.
Genome position (GRCh38, 1-based): chr8:143,933,303, C>T on the plus strand (G>A on the coding strand, the complement: PLEC is on the minus strand). VCF-style: chr8-143933303-C-T. GRCh37 (hg19) VCF-style: chr8-145007471-C-T.
Other names: c.1270G>A, p.Val424Met (NM_201378.4); c.1246G>A, p.Val416Met (NM_201379.3); c.1723G>A, p.Val575Met (NM_201380.4); c.1216G>A, p.Val406Met (NM_201381.3); c.1312G>A, p.Val438Met (NM_201382.4); c.1324G>A, p.Val442Met (NM_201383.3); c.1393G>A, p.Val465Met (NM_000445.5, NM_001410941.1); short protein forms V406M, V438M, V424M, V416M, V442M, V465M, V575M.
Identifiers: ClinVar variation 4793982 (VCV004793982.1).

ClinVar aggregate classification (germline): Uncertain significance (1 of 4 stars; one submission).

Conditions:
Epidermolysis bullosa simplex 5B, with muscular dystrophy (EBS5B). Also called: EPIDERMOLYSIS BULLOSA SIMPLEX AND LIMB-GIRDLE MUSCULAR DYSTROPHY; Epidermolysis bullosa simplex with muscular dystrophy. Identifiers: Orphanet 257, MedGen C2931072, MONDO:0009181, OMIM 226670.
Epidermolysis bullosa simplex, Ogna type (EBS5A). Also called: Pidermolysis bullosa simplex 5A, Ogna type; EPIDERMOLYSIS BULLOSA SIMPLEX 5A, OGNA TYPE. Identifiers: Orphanet 79401, MedGen C0432317, MONDO:0007555, OMIM 131950.
Epidermolysis bullosa simplex 5C, with pyloric atresia (EBS5C). Also called: Epidermolysis bullosa simplex with pyloric atresia; PLEC-Related Epidermolysis Bullosa with Pyloric Atresia; PLEC1-Related Epidermolysis Bullosa with Pyloric Atresia. Identifiers: Orphanet 158684, MedGen C2677349, MONDO:0012807, OMIM 612138.
Autosomal recessive limb-girdle muscular dystrophy type 2Q (LGMDR17). Also called: MUSCULAR DYSTROPHY, LIMB-GIRDLE, AUTOSOMAL RECESSIVE 17. Identifiers: Orphanet 254361, MedGen C3150989, MONDO:0013390, OMIM 613723.
Epidermolysis bullosa simplex with nail dystrophy (EBS5D). Identifiers: MedGen C4225309, MONDO:0014661, OMIM 616487.

gnomAD v4.1: 8 of 1,612,980 alleles (0.0005%); highest among the groups gnomAD compares: Non-Finnish European, 0.00068%; no homozygotes.

Submission:

Labcorp Genetics (formerly Invitae), Labcorp
Classification: Uncertain significance for Autosomal recessive limb-girdle muscular dystrophy type 2Q; Epidermolysis bullosa simplex, Ogna type; Epidermolysis bullosa simplex with nail dystrophy; Epidermolysis bullosa simplex 5C, with pyloric atresia; Epidermolysis bullosa simplex 5B, with muscular dystrophy. Last evaluated: 2025-08-10. Review status: criteria provided, single submitter. Criteria: Invitae Variant Classification Sherloc (09022015). Collection method: clinical testing. Allele origin: germline.
Comment: This sequence change replaces valine, which is neutral and non-polar, with methionine, which is neutral and non-polar, at codon 465 of the PLEC protein (p.Val465Met). This variant is not present in population databases (gnomAD no frequency). This variant has not been reported in the literature in individuals affected with PLEC-related conditions. Invitae Evidence Modeling of protein sequence and biophysical properties (such as structural, functional, and spatial information, amino acid conservation, physicochemical variation, residue mobility, and thermodynamic stability) indicates that this missense variant is not expected to disrupt PLEC protein function with a negative predictive value of 80%. In summary, the available evidence is currently insufficient to determine the role of this variant in disease. Therefore, it has been classified as a Variant of Uncertain Significance.